The following is an entry in ClinVar:

ClinVar aggregate classification (germline): Uncertain significance (1 of 4 stars; one submission).

Allele frequency attached by ClinVar (database versions not stated): gnomAD exomes 0.00001; ExAC 0.00002.
gnomAD v4.1: 3 of 1,614,128 alleles (0.00019%); highest among the groups gnomAD compares: South Asian, 0.0033%; no homozygotes.

Submission:

Labcorp Genetics (formerly Invitae), Labcorp
Classification: Uncertain significance. Last evaluated: 2024-04-01. Review status: criteria provided, single submitter. Criteria: Invitae Variant Classification Sherloc (09022015). Collection method: clinical testing. Allele origin: germline.
Comment: This sequence change replaces cysteine, which is neutral and slightly polar, with phenylalanine, which is neutral and non-polar, at codon 249 of the MSH3 protein (p.Cys249Phe). This variant is present in population databases (rs775530635, gnomAD 0.006%). This variant has not been reported in the literature in individuals affected with MSH3-related conditions. Algorithms developed to predict the effect of missense changes on protein structure and function output the following: SIFT: "Not Available"; PolyPhen-2: "Benign"; Align-GVGD: "Not Available". The phenylalanine amino acid residue is found in multiple mammalian species, which suggests that this missense change does not adversely affect protein function. In summary, the available evidence is currently insufficient to determine the role of this variant in disease. Therefore, it has been classified as a Variant of Uncertain Significance.

NM_002439.5(MSH3):c.746G>T (p.Cys249Phe)

Gene: MSH3 (mutS homolog 3; plus strand). Cytogenetic location: 5q14.1.
Variant type: single nucleotide variant.
Coding change: c.746G>T on transcript NM_002439.5 (MANE Select); coding-DNA position 746, G replaced by T.
Protein change: p.Cys249Phe; replaces cysteine 249 with phenylalanine.
Molecular consequence: missense variant.
Genome position (GRCh38, 1-based): chr5:80,670,263, G>T. VCF-style: chr5-80670263-G-T. GRCh37 (hg19) VCF-style: chr5-79966082-G-T.
Other names: short protein forms C249F.
Identifiers: ClinVar variation 2981606 (VCV002981606.3), dbSNP rs775530635, ClinGen allele CA3327691.